The following is an entry in ClinVar:

ClinVar aggregate classification (germline): Uncertain significance (1 of 4 stars; one submission).

Conditions:
Congenital muscular hypertrophy-cerebral syndrome (CDLS2). Also called: SMC1A-Related Cornelia de Lange Syndrome; Cornelia de Lange syndrome 2. Identifiers: Orphanet 199, MedGen C1802395, MONDO:0010370, OMIM 300590.

Submission:

Labcorp Genetics (formerly Invitae), Labcorp
Classification: Uncertain significance for Congenital muscular hypertrophy-cerebral syndrome. Last evaluated: 2020-01-10. Review status: criteria provided, single submitter. Criteria: Invitae Variant Classification Sherloc (09022015). Collection method: clinical testing. Allele origin: germline.
Comment: In summary, the available evidence is currently insufficient to determine the role of this variant in disease. Therefore, it has been classified as a Variant of Uncertain Significance. Nucleotide substitutions within the consensus splice site are a relatively common cause of aberrant splicing (PMID: 17576681, 9536098). Algorithms developed to predict the effect of sequence changes on RNA splicing suggest that this variant is not likely to affect RNA splicing, but this prediction has not been confirmed by published transcriptional studies. This variant has not been reported in the literature in individuals with SMC1A-related disease. This variant is not present in population databases (ExAC no frequency). This sequence change falls in intron 23 of the SMC1A gene. It does not directly change the encoded amino acid sequence of the SMC1A protein, but it affects a nucleotide within the consensus splice site of the intron.

Literature cited by the submitters: PubMed 17576681; PubMed 9536098.

NM_006306.4(SMC1A):c.3507+3G>A

Gene: SMC1A (structural maintenance of chromosomes 1A; minus strand). Cytogenetic location: Xp11.22.
Variant type: single nucleotide variant.
Coding change: c.3507+3G>A on transcript NM_006306.4 (MANE Select); 3 bases into the intron after coding-DNA position 3507, G replaced by A.
Molecular consequence: intron variant.
Genome position (GRCh38, 1-based): chrX:53,381,015, C>T on the plus strand (G>A on the coding strand, the complement: SMC1A is on the minus strand). VCF-style: chrX-53381015-C-T. GRCh37 (hg19) VCF-style: chrX-53407936-C-T.
Other names: c.3441+3G>A (NM_001281463.1).
Identifiers: ClinVar variation 532574 (VCV000532574.8), dbSNP rs1556885809, ClinGen allele CA658799758.